The following is an entry in ClinVar:

NM_002458.3(MUC5B):c.7888C>A (p.Leu2630Ile)

Genes: MUC5B (mucin 5B, oligomeric mucus/gel-forming; plus strand), MUC5B-AS1 (MUC5B antisense RNA 1; minus strand). Cytogenetic location: 11p15.5.
Variant type: single nucleotide variant.
Coding change: c.7888C>A on transcript NM_002458.3 (MANE Select); coding-DNA position 7888, C replaced by A.
Protein change: p.Leu2630Ile; replaces leucine 2630 with isoleucine.
Molecular consequence: missense variant.
Genome position (GRCh38, 1-based): chr11:1,244,768, C>A. VCF-style: chr11-1244768-C-A. GRCh37 (hg19) VCF-style: chr11-1265998-C-A.
Other names: short protein forms L2630I.
Identifiers: ClinVar variation 3388042 (VCV003388042.14).
Genomic context (GRCh38, chr11:1,244,768, plus strand): 5'-ACTACCACAACCACGGGCTTCACAGCCACCCCCTCCTCCAGCCCAGGGACGGCACGCACG[C>A]TTCCAGTGTGGATCAGCACAACCACCACACCCACAACCAGAGGTTCCACGGTGACCCCCT-3'
Protein context (NP_002449.2, residues 2620-2640): PSSSPGTART[Leu2630Ile]PVWISTTTTP

ClinVar aggregate classification (germline): Likely benign (1 of 4 stars; one submission).

Submission:

CeGaT Center for Human Genetics Tuebingen
Classification: Likely benign. Last evaluated: 2024-10-01. Review status: criteria provided, single submitter. Criteria: CeGaT Center For Human Genetics Tuebingen Variant Classification Criteria Version 2. Collection method: clinical testing. Allele origin: germline. Affected: yes. Observed: 1 variant allele.
Comment: MUC5B: BP4, BS1